The following is an entry in ClinVar:

NM_003079.5(SMARCE1):c.1094A>T (p.Glu365Val)

Gene: SMARCE1 (SWI/SNF related BAF chromatin remodeling complex subunit E1; minus strand). Cytogenetic location: 17q21.2.
Variant type: single nucleotide variant.
Coding change: c.1094A>T on transcript NM_003079.5 (MANE Select); coding-DNA position 1094, A replaced by T.
Protein change: p.Glu365Val; replaces glutamic acid 365 with valine.
Molecular consequence: missense variant.
Genome position (GRCh38, 1-based): chr17:40,628,927, T>A on the plus strand (A>T on the coding strand, the complement: SMARCE1 is on the minus strand). VCF-style: chr17-40628927-T-A. GRCh37 (hg19) VCF-style: chr17-38785179-T-A.
Other names: short protein forms E365V.
Identifiers: ClinVar variation 4864868 (VCV004864868.1).

ClinVar aggregate classification (germline): Uncertain significance (1 of 4 stars; one submission).

Conditions:
Hereditary cancer-predisposing syndrome. Also called: Neoplastic Syndromes, Hereditary; Tumor predisposition; Hereditary Cancer Syndrome; Hereditary neoplastic syndrome. Identifiers: Orphanet 140162, MedGen C0027672, MeSH D009386, MONDO:0015356.

Submission:

Ambry Genetics
Classification: Uncertain significance for Hereditary cancer-predisposing syndrome. Last evaluated: 2026-04-20. Review status: criteria provided, single submitter. Criteria: Ambry Variant Classification Scheme 2023. Collection method: clinical testing. Allele origin: germline.
Comment: The p.E365V variant (also known as c.1094A>T), located in coding exon 10 of the SMARCE1 gene, results from an A to T substitution at nucleotide position 1094. The glutamic acid at codon 365 is replaced by valine, an amino acid with dissimilar properties. This amino acid position is conserved. In addition, this alteration is predicted to be tolerated by in silico analysis. Based on the available evidence, the clinical significance of this variant remains unclear.